The following is an entry in ClinVar:

ClinVar aggregate classification (germline): Uncertain significance. Review status: criteria provided, multiple submitters, no conflicts (2 of 4 stars). 2 submissions from 2 submitters: Uncertain significance (2). Last evaluated 2025-12-30.

Allele frequency attached by ClinVar (database versions not stated): TOPMed 0.00001; gnomAD exomes 0.00001.
gnomAD v4.1: 11 of 1,194,743 alleles (0.00092%); highest among the groups gnomAD compares: Middle Eastern, 0.046%; no homozygotes.

Submissions (2):

Labcorp Genetics (formerly Invitae), Labcorp
Classification: Uncertain significance. Last evaluated: 2025-12-30. Review status: criteria provided, single submitter. Criteria: Invitae Variant Classification Sherloc (09022015). Collection method: clinical testing. Allele origin: germline.
Comment: This sequence change replaces lysine, which is basic and polar, with glutamic acid, which is acidic and polar, at codon 251 of the PHEX protein (p.Lys251Glu). This variant is present in population databases (no rsID available, gnomAD 0.001%). This variant has not been reported in the literature in individuals affected with PHEX-related conditions. ClinVar contains an entry for this variant (Variation ID: 3007776). Invitae Evidence Modeling of protein sequence and biophysical properties (such as structural, functional, and spatial information, amino acid conservation, physicochemical variation, residue mobility, and thermodynamic stability) has been performed for this missense variant. However, the output from this modeling did not meet the statistical confidence thresholds required to predict the impact of this variant on PHEX protein function. In summary, the available evidence is currently insufficient to determine the role of this variant in disease. Therefore, it has been classified as a Variant of Uncertain Significance.

Women's Health and Genetics/Laboratory Corporation of America, LabCorp
Classification: Uncertain significance. Last evaluated: 2024-01-10. Review status: criteria provided, single submitter. Criteria: LabCorp Variant Classification Summary - May 2015. Collection method: clinical testing. Allele origin: germline.
Comment: Variant summary: PHEX c.751A>G (p.Lys251Glu) results in a conservative amino acid change located in the Peptidase M13, N-terminal domain (IPR008753) of the encoded protein sequence. Five of five in-silico tools predict a benign effect of the variant on protein function. The variant allele was found at a frequency of 1.6e-05 in 183217 control chromosomes, predominantly at a frequency of 3.7e-05 within the Non-Finnish European subpopulation in the gnomAD database (v2); a total of 5 hemizygotes of this variant was found in the gnomAD v4 database. To our knowledge, no occurrence of c.751A>G in individuals affected with X-Linked Hypophosphatemic Rickets and no experimental evidence demonstrating its impact on protein function have been reported. No submitters have cited clinical-significance assessments for this variant to ClinVar. Based on the evidence outlined above, the variant was classified as VUS-possibly benign.

NM_000444.6(PHEX):c.751A>G (p.Lys251Glu)

Gene: PHEX (phosphate regulating endopeptidase X-linked; plus strand). Cytogenetic location: Xp22.11.
Variant type: single nucleotide variant.
Coding change: c.751A>G on transcript NM_000444.6 (MANE Select); coding-DNA position 751, A replaced by G.
Protein change: p.Lys251Glu; replaces lysine 251 with glutamic acid.
Molecular consequence: missense variant.
Genome position (GRCh38, 1-based): chrX:22,094,001, A>G. VCF-style: chrX-22094001-A-G. GRCh37 (hg19) VCF-style: chrX-22112119-A-G.
Other names: c.751A>G, p.Lys251Glu (NM_001282754.2); short protein forms K251E.
Identifiers: ClinVar variation 3007776 (VCV003007776.4), dbSNP rs1235348543, ClinGen allele CA412572293.